The following is an entry in ClinVar:

NM_001384474.1(LOXHD1):c.670A>C (p.Ile224Leu)

Gene: LOXHD1 (lipoxygenase homology PLAT domains 1; minus strand). Cytogenetic location: 18q21.1.
Variant type: single nucleotide variant.
Coding change: c.670A>C on transcript NM_001384474.1 (MANE Select); coding-DNA position 670, A replaced by C.
Protein change: p.Ile224Leu; replaces isoleucine 224 with leucine.
Molecular consequence: missense variant.
Genome position (GRCh38, 1-based): chr18:46,610,865, T>G on the plus strand (A>C on the coding strand, the complement: LOXHD1 is on the minus strand). VCF-style: chr18-46610865-T-G. GRCh37 (hg19) VCF-style: chr18-44190828-T-G.
Other names: c.670A>C, p.Ile224Leu (NM_144612.7); short protein forms I224L.
Identifiers: ClinVar variation 227531 (VCV000227531.6), dbSNP rs876657499, ClinGen allele CA10577087.

ClinVar aggregate classification (germline): Conflicting classifications of pathogenicity. Review status: criteria provided, conflicting classifications (1 of 4 stars). 2 submissions from 2 submitters: Uncertain significance (1); Likely benign (1). Last evaluated 2022-10-27.

Conditions:
Inborn genetic diseases. Identifiers: MedGen C0950123, MeSH D030342.

Allele frequency attached by ClinVar (database versions not stated): gnomAD exomes 0.00001; TOPMed 0.00001.
gnomAD v4.1: 8 of 1,551,826 alleles (0.00052%); highest among the groups gnomAD compares: Non-Finnish European, 0.0007%; no homozygotes.

Submissions (2):

Ambry Genetics
Classification: Uncertain significance for Inborn genetic diseases. Last evaluated: 2022-10-27. Review status: criteria provided, single submitter. Criteria: Ambry Variant Classification Scheme 2023. Collection method: clinical testing. Allele origin: germline.

Laboratory for Molecular Medicine, Mass General Brigham Personalized Medicine
Classification: Likely benign. Last evaluated: 2015-07-20. Review status: criteria provided, single submitter. Criteria: LMM Criteria. Collection method: clinical testing. Allele origin: germline. Observed: 1 variant allele.
Comment: p.Ile224Leu in exon 6 of LOXHD1: This variant is not expected to have clinical s ignificance because the isoleucine (Ile) residue at position 224 is not conserve d through species, with 4 mammals (rabbit, pika, alpaca, and Bactrian camel) hav ing a leucine (Leu) at this position.